The following is an entry in ClinVar:

NM_000138.5(FBN1):c.7586C>T (p.Thr2529Ile)

Gene: FBN1 (fibrillin 1; minus strand). Cytogenetic location: 15q21.1.
Variant type: single nucleotide variant.
Coding change: c.7586C>T on transcript NM_000138.5 (MANE Select); coding-DNA position 7586, C replaced by T.
Protein change: p.Thr2529Ile; replaces threonine 2529 with isoleucine.
Molecular consequence: missense variant.
Genome position (GRCh38, 1-based): chr15:48,421,671, G>A on the plus strand (C>T on the coding strand, the complement: FBN1 is on the minus strand). VCF-style: chr15-48421671-G-A. GRCh37 (hg19) VCF-style: chr15-48713868-G-A.
Other names: c.7586C>T, p.Thr2529Ile (NM_001406716.1); short protein forms T2529I.
Identifiers: ClinVar variation 4757619 (VCV004757619.1).

ClinVar aggregate classification (germline): Uncertain significance (1 of 4 stars; one submission).

Conditions:
Familial thoracic aortic aneurysm and aortic dissection (TAAD). Also called: Thoracic aortic aneurysms and dissections. Identifiers: Orphanet 91387, MedGen C4707243, MONDO:0019625.

gnomAD v4.1: 1 of 1,613,744 alleles (0.000062%); highest among the groups gnomAD compares: Middle Eastern, 0.017%; no homozygotes.

Submission:

Color Diagnostics, LLC DBA Color Health
Classification: Uncertain significance for Familial thoracic aortic aneurysm and aortic dissection. Last evaluated: 2025-06-30. Review status: criteria provided, single submitter. Criteria: ACMG Guidelines, 2015. Collection method: clinical testing. Allele origin: germline.
Comment: This missense variant replaces threonine with isoleucine at codon 2529 of the FBN1 protein. Computational prediction suggests that this variant may not impact protein structure and function. To our knowledge, functional studies have not been reported for this variant. This variant has not been reported in individuals affected with FBN1-related disorders in the literature. This variant has not been identified in the general population by the Genome Aggregation Database (gnomAD). The available evidence is insufficient to determine the role of this variant in disease conclusively. Therefore, this variant is classified as a Variant of Uncertain Significance.